The following is an entry in ClinVar:

ClinVar aggregate classification (germline): Uncertain significance (1 of 4 stars; one submission).

Conditions:
Cone-rod dystrophy 2 (CORD2). Also called: CONE-ROD RETINAL DYSTROPHY; Cone-rod retinal dystrophy 2. Identifiers: Orphanet 1872, MedGen C3489532, MONDO:0007362, OMIM 120970.
Leber congenital amaurosis 7 (LCA7). Identifiers: Orphanet 65, MedGen C3151192, MONDO:0013449, OMIM 613829.

gnomAD v4.1: 4 of 1,614,202 alleles (0.00025%); highest among the groups gnomAD compares: East Asian, 0.0022%; no homozygotes.

Submission:

Labcorp Genetics (formerly Invitae), Labcorp
Classification: Uncertain significance for Cone-rod dystrophy 2; Leber congenital amaurosis 7. Last evaluated: 2022-02-24. Review status: criteria provided, single submitter. Criteria: Invitae Variant Classification Sherloc (09022015). Collection method: clinical testing. Allele origin: germline.
Comment: In summary, the available evidence is currently insufficient to determine the role of this variant in disease. Therefore, it has been classified as a Variant of Uncertain Significance. Algorithms developed to predict the effect of missense changes on protein structure and function (SIFT, PolyPhen-2, Align-GVGD) all suggest that this variant is likely to be disruptive. This variant has not been reported in the literature in individuals affected with CRX-related conditions. This variant is not present in population databases (gnomAD no frequency). This sequence change replaces valine, which is neutral and non-polar, with phenylalanine, which is neutral and non-polar, at codon 66 of the CRX protein (p.Val66Phe).

NM_000554.6(CRX):c.196G>T (p.Val66Phe)

Gene: CRX (cone-rod homeobox; plus strand). Cytogenetic location: 19q13.33.
Variant type: single nucleotide variant.
Coding change: c.196G>T on transcript NM_000554.6 (MANE Select); coding-DNA position 196, G replaced by T.
Protein change: p.Val66Phe; replaces valine 66 with phenylalanine.
Molecular consequence: missense variant.
Genome position (GRCh38, 1-based): chr19:47,836,338, G>T. VCF-style: chr19-47836338-G-T. GRCh37 (hg19) VCF-style: chr19-48339595-G-T.
Other names: short protein forms V66F.
Identifiers: ClinVar variation 1486168 (VCV001486168.6), dbSNP rs61748438, ClinGen allele CA406629694.